The following is an entry in ClinVar:

ClinVar aggregate classification (germline): Conflicting classifications of pathogenicity. Review status: criteria provided, conflicting classifications (1 of 4 stars). 7 submissions from 7 submitters: Uncertain significance (5); Likely benign (1). 1 of the submissions does not count toward it. Last evaluated 2026-01-05.

Conditions:
Hereditary cancer-predisposing syndrome. Also called: Hereditary Cancer Syndrome; Tumor predisposition; Neoplastic Syndromes, Hereditary; Hereditary neoplastic syndrome. Identifiers: Orphanet 140162, MedGen C0027672, MeSH D009386, MONDO:0015356.
Familial cancer of breast. Also called: hereditary breast carcinoma; BREAST CANCER, FAMILIAL; Hereditary breast cancer. Identifiers: Orphanet 227535, MedGen C0346153, MONDO:0016419, OMIM 114480. Disease mechanism: loss of function.
Ataxia-telangiectasia syndrome (AT). Also called: ATAXIA-TELANGIECTASIA, COMPLEMENTATION GROUP A; ATAXIA-TELANGIECTASIA, FRESNO VARIANT; Ataxia-telangiectasia; Ataxia-telangiectasia, complementation group E; Cerebello-oculocutaneous telangiectasia; Immunodeficiency with ataxia telangiectasia. Identifiers: Orphanet 100, MedGen C0004135, MONDO:0008840, OMIM 208900.

Allele frequency attached by ClinVar (database versions not stated): gnomAD 0.00001; gnomAD exomes below 0.00001; TOPMed 0.00002.
gnomAD v4.1: 16 of 1,614,104 alleles (0.00099%); highest among the groups gnomAD compares: Non-Finnish European, 0.0014%; no homozygotes.

Submissions (7):

Labcorp Genetics (formerly Invitae), Labcorp
Classification: Uncertain significance for Ataxia-telangiectasia syndrome. Last evaluated: 2026-01-05. Review status: criteria provided, single submitter. Criteria: Invitae Variant Classification Sherloc (09022015). Collection method: clinical testing. Allele origin: germline.
Comment: This sequence change replaces leucine, which is neutral and non-polar, with isoleucine, which is neutral and non-polar, at codon 2980 of the ATM protein (p.Leu2980Ile). This variant is present in population databases (rs786203721, gnomAD 0.0009%). This missense change has been observed in individual(s) with breast cancer (PMID: 25503501). ClinVar contains an entry for this variant (Variation ID: 187422). Invitae Evidence Modeling of protein sequence and biophysical properties (such as structural, functional, and spatial information, amino acid conservation, physicochemical variation, residue mobility, and thermodynamic stability) indicates that this missense variant is not expected to disrupt ATM protein function with a negative predictive value of 95%. In summary, the available evidence is currently insufficient to determine the role of this variant in disease. Therefore, it has been classified as a Variant of Uncertain Significance.

Quest Diagnostics Nichols Institute San Juan Capistrano
Classification: Uncertain significance. Last evaluated: 2025-01-07. Review status: criteria provided, single submitter. Criteria: Quest Diagnostics criteria. Collection method: clinical testing. Allele origin: unknown.

Ambry Genetics
Classification: Likely benign for Hereditary cancer-predisposing syndrome. Last evaluated: 2024-03-14. Review status: criteria provided, single submitter. Criteria: Ambry Variant Classification Scheme 2023. Collection method: clinical testing. Allele origin: germline.

GeneDx
Classification: Uncertain significance. Last evaluated: 2024-02-18. Review status: criteria provided, single submitter. Criteria: GeneDx Variant Classification Process June 2021. Collection method: clinical testing. Allele origin: germline. Affected: yes.
Comment: Not observed at significant frequency in large population cohorts (gnomAD); In silico analysis supports that this missense variant does not alter protein structure/function; This variant is associated with the following publications: (PMID: 23532176, 33471991, 26787654, 26689913, 25503501)

Baylor Genetics
Classification: Uncertain significance for Familial cancer of breast. Last evaluated: 2023-11-21. Review status: criteria provided, single submitter. Criteria: ACMG Guidelines, 2015. Collection method: clinical testing. Allele origin: unknown.

Color Diagnostics, LLC DBA Color Health
Classification: Uncertain significance for Hereditary cancer-predisposing syndrome. Last evaluated: 2020-01-05. Review status: criteria provided, single submitter. Criteria: ACMG Guidelines, 2015. Collection method: clinical testing. Allele origin: germline.
Comment: This missense variant replaces leucine with isoleucine at codon 2980 of the ATM protein. Computational prediction suggests that this variant may not impact protein structure and function (internally defined REVEL score threshold <= 0.5, PMID: 27666373). Splice site prediction tools suggest that this variant may not impact RNA splicing. To our knowledge, functional studies have not been performed for this variant. This variant has been reported in an individual affected with breast cancer (PMID: 25503501). This variant has been identified in 1/251400 chromosomes in the general population by the Genome Aggregation Database (gnomAD). The available evidence is insufficient to determine the role of this variant in disease conclusively. Therefore, this variant is classified as a Variant of Uncertain Significance.

Natera, Inc.
Classification: Uncertain significance for Ataxia-telangiectasia. Last evaluated: 2021-01-06. Review status: no assertion criteria provided. Collection method: clinical testing. Allele origin: germline. Not counted in ClinVar's aggregate classification.

Literature cited by the submitters: PubMed 25503501 (cited by Labcorp Genetics (formerly Invitae), Labcorp and Ambry Genetics); PubMed 29522266 (cited by Ambry Genetics); PubMed 29684080 (cited by Ambry Genetics).

NM_000051.4(ATM):c.8938C>A (p.Leu2980Ile)

Genes: ATM (ATM serine/threonine kinase; plus strand), C11orf65 (chromosome 11 open reading frame 65; minus strand). Cytogenetic location: 11q22.3.
Variant type: single nucleotide variant.
Coding change: c.8938C>A on transcript NM_000051.4 (MANE Select); coding-DNA position 8938, C replaced by A.
Protein change: p.Leu2980Ile; replaces leucine 2980 with isoleucine.
Molecular consequence: missense variant. On other transcripts: intron variant (2).
Genome position (GRCh38, 1-based): chr11:108,365,169, C>A. VCF-style: chr11-108365169-C-A. GRCh37 (hg19) VCF-style: chr11-108235896-C-A.
Other names: c.8938C>A, p.Leu2980Ile (NM_001351834.2); c.640+20751G>T (NM_001330368.2); c.694+20751G>T (NM_001351110.2); short protein forms L2980I.
Identifiers: ClinVar variation 187422 (VCV000187422.29), dbSNP rs786203721, ClinGen allele CA197606.